The following is an entry in ClinVar:

ClinVar aggregate classification (germline): Likely pathogenic (1 of 4 stars; one submission).

Conditions:
Smith-Lemli-Opitz syndrome (SLOS). Also called: 7-Dehydrocholesterol reductase deficiency; LETHAL ACRODYSGENITAL SYNDROME; POLYDACTYLY, SEX REVERSAL, RENAL HYPOPLASIA, AND UNILOBAR LUNG; RSH SYNDROME; RUTLEDGE LETHAL MULTIPLE CONGENITAL ANOMALY SYNDROME. Identifiers: Orphanet 818, MedGen C0175694, MONDO:0010035, OMIM 270400.

Submission:

Labcorp Genetics (formerly Invitae), Labcorp
Classification: Likely pathogenic for Smith-Lemli-Opitz syndrome. Last evaluated: 2023-07-31. Review status: criteria provided, single submitter. Criteria: Invitae Variant Classification Sherloc (09022015). Collection method: clinical testing. Allele origin: germline.
Comment: Advanced modeling of protein sequence and biophysical properties (such as structural, functional, and spatial information, amino acid conservation, physicochemical variation, residue mobility, and thermodynamic stability) performed at Invitae indicates that this missense variant is expected to disrupt DHCR7 protein function. In summary, the currently available evidence indicates that the variant is pathogenic, but additional data are needed to prove that conclusively. Therefore, this variant has been classified as Likely Pathogenic. This variant disrupts the p.Arg242 amino acid residue in DHCR7. Other variant(s) that disrupt this residue have been determined to be pathogenic (PMID: 10405455, 10677299, 10995508, 15464432, 15954111, 26969503). This suggests that this residue is clinically significant, and that variants that disrupt this residue are likely to be disease-causing. This variant has not been reported in the literature in individuals affected with DHCR7-related conditions. This variant is not present in population databases (gnomAD no frequency). This sequence change replaces arginine, which is basic and polar, with leucine, which is neutral and non-polar, at codon 242 of the DHCR7 protein (p.Arg242Leu).

Literature cited by the submitters: PubMed 10405455; PubMed 10677299; PubMed 10995508; PubMed 15464432; PubMed 15954111; PubMed 26969503.

NM_001360.3(DHCR7):c.725G>T (p.Arg242Leu)

Gene: DHCR7 (7-dehydrocholesterol reductase; minus strand). Cytogenetic location: 11q13.4.
Variant type: single nucleotide variant.
Coding change: c.725G>T on transcript NM_001360.3 (MANE Select); coding-DNA position 725, G replaced by T.
Protein change: p.Arg242Leu; replaces arginine 242 with leucine.
Molecular consequence: missense variant.
Genome position (GRCh38, 1-based): chr11:71,438,985, C>A on the plus strand (G>T on the coding strand, the complement: DHCR7 is on the minus strand). VCF-style: chr11-71438985-C-A. GRCh37 (hg19) VCF-style: chr11-71150031-C-A.
Other names: c.725G>T, p.Arg242Leu (NM_001163817.2, NM_001425109.1, NM_001425110.1 and 6 more transcripts); c.776G>T, p.Arg259Leu (NM_001425107.1); c.761G>T, p.Arg254Leu (NM_001425108.1); c.665G>T, p.Arg222Leu (NM_001425113.1); c.629G>T, p.Arg210Leu (NM_001425114.1, NM_001425116.1); c.551G>T, p.Arg184Leu (NM_001425117.1); short protein forms R222L, R242L, R259L, R254L, R184L, R210L.
Identifiers: ClinVar variation 2748684 (VCV002748684.3), dbSNP rs80338857, ClinGen allele CA381703398.